The following is an entry in ClinVar:

NM_001111125.3(IQSEC2):c.3959G>A (p.Arg1320His)

Gene: IQSEC2 (IQ motif and Sec7 domain ArfGEF 2; minus strand). Cytogenetic location: Xp11.22.
Variant type: single nucleotide variant.
Coding change: c.3959G>A on transcript NM_001111125.3 (MANE Select); coding-DNA position 3959, G replaced by A.
Protein change: p.Arg1320His; replaces arginine 1320 with histidine.
Molecular consequence: missense variant. On other transcripts: 3 prime UTR variant (1).
Genome position (GRCh38, 1-based): chrX:53,234,727, C>T on the plus strand (G>A on the coding strand, the complement: IQSEC2 is on the minus strand). VCF-style: chrX-53234727-C-T. GRCh37 (hg19) VCF-style: chrX-53263909-C-T.
Other names: c.*444G>A (NM_015075.2); short protein forms R1320H.
Identifiers: ClinVar variation 966861 (VCV000966861.10), dbSNP rs2074098874, ClinGen allele CA413140021.

ClinVar aggregate classification (germline): Uncertain significance (1 of 4 stars; one submission).

Conditions:
Intellectual developmental disorder, X-linked 1. Also called: Atkin Flaitz Patil Smith syndrome; MENTAL RETARDATION, X-LINKED 18; MENTAL RETARDATION, X-LINKED 78; Intellectual disability, X-linked 1. Identifiers: Orphanet 777, MedGen C2931498, MONDO:0010656, OMIM 309530.

gnomAD v4.1: 6 of 1,122,911 alleles (0.00053%); highest among the groups gnomAD compares: Non-Finnish European, 0.0007%; no homozygotes.

Submission:

Labcorp Genetics (formerly Invitae), Labcorp
Classification: Uncertain significance for Intellectual developmental disorder, X-linked 1. Last evaluated: 2019-10-02. Review status: criteria provided, single submitter. Criteria: Invitae Variant Classification Sherloc (09022015). Collection method: clinical testing. Allele origin: germline.
Comment: The frequency data for this variant in the population databases is considered unreliable, as metrics indicate insufficient coverage at this position in the ExAC database. In summary, the available evidence is currently insufficient to determine the role of this variant in disease. Therefore, it has been classified as a Variant of Uncertain Significance. Algorithms developed to predict the effect of missense changes on protein structure and function are either unavailable or do not agree on the potential impact of this missense change (SIFT: "Tolerated"; PolyPhen-2: "Possibly Damaging"; Align-GVGD: "Class C0"). This variant has not been reported in the literature in individuals with IQSEC2-related conditions. This sequence change replaces arginine with histidine at codon 1320 of the IQSEC2 protein (p.Arg1320His). The arginine residue is weakly conserved and there is a small physicochemical difference between arginine and histidine.